The following is an entry in ClinVar:

NM_006590.4(USP39):c.300G>C (p.Arg100=)

Gene: USP39 (ubiquitin specific peptidase 39; plus strand). Cytogenetic location: 2p11.2.
Variant type: single nucleotide variant.
Coding change: c.300G>C on transcript NM_006590.4 (MANE Select); coding-DNA position 300, G replaced by C.
Protein change: p.Arg100=; no amino-acid change (arginine 100 retained).
Molecular consequence: synonymous variant. On other transcripts: non-coding transcript variant (1).
Genome position (GRCh38, 1-based): chr2:85,619,251, G>C. VCF-style: chr2-85619251-G-C. GRCh37 (hg19) VCF-style: chr2-85846374-G-C.
Other names: c.300G>C, p.Arg100= (NM_001256725.2, NM_001256726.2); c.66G>C, p.Arg22= (NM_001256727.2, NM_001256728.2).
Identifiers: ClinVar variation 2651095 (VCV002651095.24), dbSNP rs750066293, ClinGen allele CA1743389.

ClinVar aggregate classification (germline): Likely benign (1 of 4 stars; one submission).

Allele frequency attached by ClinVar (database versions not stated): ExAC 0.00003; TOPMed 0.00003; gnomAD 0.00005; gnomAD exomes 0.00006.
gnomAD v4.1: 100 of 1,613,572 alleles (0.0062%); highest among the groups gnomAD compares: Non-Finnish European, 0.0081%; no homozygotes.

Submission:

CeGaT Center for Human Genetics Tuebingen
Classification: Likely benign. Last evaluated: 2022-06-01. Review status: criteria provided, single submitter. Criteria: CeGaT Center For Human Genetics Tuebingen Variant Classification Criteria Version 2. Collection method: clinical testing. Allele origin: germline. Affected: yes. Observed: 1 variant allele.
Comment: USP39: BP4, BP7